The following is an entry in ClinVar:

NM_020911.2(PLXNA4):c.1069A>G (p.Ile357Val)

Gene: PLXNA4 (plexin A4; minus strand). Cytogenetic location: 7q32.3.
Variant type: single nucleotide variant.
Coding change: c.1069A>G on transcript NM_020911.2 (MANE Select); coding-DNA position 1069, A replaced by G.
Protein change: p.Ile357Val; replaces isoleucine 357 with valine.
Molecular consequence: missense variant.
Genome position (GRCh38, 1-based): chr7:132,507,625, T>C on the plus strand (A>G on the coding strand, the complement: PLXNA4 is on the minus strand). VCF-style: chr7-132507625-T-C. GRCh37 (hg19) VCF-style: chr7-132192384-T-C.
Other names: c.1069A>G, p.Ile357Val (NM_001105543.2, NM_001393897.1, NM_181775.4); short protein forms I357V.
Identifiers: ClinVar variation 3766738 (VCV003766738.1).
Genomic context (GRCh38, chr7:132,507,625, plus strand): 5'-CCCGGTAACAAGACTGCAGCCGCTCCTTAATGCGGTCATTTATCTGCTTCAAGATGAAGA[T>C]GCACAGGGCCGACTCATCCAGGGATTTCATTTTCCGCTTCTGGCCCTTGGAGAAGACGGT-3'
Protein context (NP_065962.1, residues 347-367): MKSLDESALC[Ile357Val]FILKQINDRI

ClinVar aggregate classification (germline): Uncertain significance (1 of 4 stars; one submission).

Submission:

ARUP Laboratories, Molecular Genetics and Genomics, ARUP Laboratories
Classification: Uncertain significance. Last evaluated: 2024-07-23. Review status: criteria provided, single submitter. Criteria: ARUP Molecular Germline Variant Investigation Process 2024. Collection method: clinical testing. Allele origin: germline.
Comment: The PLXNA4 c.1069A>G; p.Ile357Val variant, to our knowledge, is not reported in the medical literature or gene specific databases. This variant is also absent from the Genome Aggregation Database (v2.1.1), indicating it is not a common polymorphism. Computational analyses predict that this variant is neutral (REVEL: 0.035). Due to limited information, the clinical significance of this variant is uncertain at this time.